The following is an entry in ClinVar:

ClinVar aggregate classification (germline): Uncertain significance (1 of 4 stars; one submission).

Conditions:
Neuroblastoma, susceptibility to, 3. Also called: ALK-Related Neuroblastic Tumor Susceptibility. Identifiers: Orphanet 635, MedGen C2751681, MONDO:0013083, OMIM 613014.

Submission:

Labcorp Genetics (formerly Invitae), Labcorp
Classification: Uncertain significance for Neuroblastoma, susceptibility to, 3. Last evaluated: 2018-02-01. Review status: criteria provided, single submitter. Criteria: Invitae Variant Classification Sherloc (09022015). Collection method: clinical testing. Allele origin: germline.
Comment: In summary, the available evidence is currently insufficient to determine the role of this variant in disease. Therefore, it has been classified as a Variant of Uncertain Significance. Algorithms developed to predict the effect of missense changes on protein structure and function output the following: SIFT: "Tolerated"; PolyPhen-2: "Benign"; Align-GVGD: "Class C0". The isoleucine amino acid residue is found in multiple mammalian species, suggesting that this missense change does not adversely affect protein function. These predictions have not been confirmed by published functional studies and their clinical significance is uncertain. This variant has not been reported in the literature in individuals with ALK-related disease. This variant is not present in population databases (ExAC no frequency). This sequence change replaces methionine with isoleucine at codon 611 of the ALK protein (p.Met611Ile). The methionine residue is weakly conserved and there is a small physicochemical difference between methionine and isoleucine.

NM_004304.5(ALK):c.1833G>T (p.Met611Ile)

Gene: ALK (ALK receptor tyrosine kinase; minus strand). Cytogenetic location: 2p23.2.
Variant type: single nucleotide variant.
Coding change: c.1833G>T on transcript NM_004304.5 (MANE Select); coding-DNA position 1833, G replaced by T.
Protein change: p.Met611Ile; replaces methionine 611 with isoleucine.
Molecular consequence: missense variant.
Genome position (GRCh38, 1-based): chr2:29,275,481, C>A on the plus strand (G>T on the coding strand, the complement: ALK is on the minus strand). VCF-style: chr2-29275481-C-A. GRCh37 (hg19) VCF-style: chr2-29498347-C-A.
Other names: short protein forms M611I.
Identifiers: ClinVar variation 566304 (VCV000566304.8), dbSNP rs1302907379, ClinGen allele CA346480021.